The following is an entry in ClinVar:

NM_005186.4(CAPN1):c.667G>T (p.Glu223Ter)

Gene: CAPN1 (calpain 1; plus strand). Cytogenetic location: 11q13.1.
Variant type: single nucleotide variant.
Coding change: c.667G>T on transcript NM_005186.4 (MANE Select); coding-DNA position 667, G replaced by T.
Protein change: p.Glu223Ter; replaces glutamic acid 223 with a stop codon.
Molecular consequence: nonsense. On other transcripts: non-coding transcript variant (1).
Genome position (GRCh38, 1-based): chr11:65,186,246, G>T. VCF-style: chr11-65186246-G-T. GRCh37 (hg19) VCF-style: chr11-64953717-G-T.
Other names: c.667G>T, p.Glu223Ter (NM_001198868.2, NM_001198869.2); c.505G>T, p.Glu169Ter (NM_001198870.1); short protein forms E169*, E223*.
Identifiers: ClinVar variation 2584813 (VCV002584813.1), dbSNP rs779787878, ClinGen allele CA381244255.

ClinVar aggregate classification (germline): Likely pathogenic (1 of 4 stars; one submission).

Conditions:
Autosomal recessive spastic paraplegia type 76. Identifiers: Orphanet 488594, MedGen C5567483, MONDO:0014827, OMIM 616907.

gnomAD v4.1: 2 of 1,613,504 alleles (0.00012%); highest among the groups gnomAD compares: East Asian, 0.0022%; no homozygotes.

Submission:

Neuberg Centre For Genomic Medicine, NCGM
Classification: Likely pathogenic for Autosomal recessive spastic paraplegia type 76. Review status: criteria provided, single submitter. Criteria: ACMG Guidelines, 2015. Collection method: clinical testing. Allele origin: germline. Inheritance: Autosomal recessive inheritance. Affected: yes.
Comment: The stop gained (c.667G>T) variant has not been reported previously as a pathogenic variant nor as a benign variant, to our knowledge. The c.667G>T variant is novel (not in any individuals) in gnomAD Exomes and 1000 Genomes. This variant has not been reported to the ClinVar database. The nucleotide change c.667G>T in CAPN1 is predicted as conserved by GERP++ and PhyloP across 100 vertebrates. This variant is predicted to cause loss of normal protein function through protein truncation. Loss of function variants have been previously reported to be disease causing. For these reasons, this variant has been classified as Likely Pathogenic